The following is an entry in ClinVar:

NM_001197104.2(KMT2A):c.9077C>G (p.Thr3026Ser)

Gene: KMT2A (lysine methyltransferase 2A; plus strand). Cytogenetic location: 11q23.3.
Variant type: single nucleotide variant.
Coding change: c.9077C>G on transcript NM_001197104.2 (MANE Select); coding-DNA position 9077, C replaced by G.
Protein change: p.Thr3026Ser; replaces threonine 3026 with serine.
Molecular consequence: missense variant.
Genome position (GRCh38, 1-based): chr11:118,504,969, C>G. VCF-style: chr11-118504969-C-G. GRCh37 (hg19) VCF-style: chr11-118375684-C-G.
Other names: c.9068C>G, p.Thr3023Ser (NM_005933.4); short protein forms T3023S, T3026S.
Identifiers: ClinVar variation 1448022 (VCV001448022.8), dbSNP rs373064982, ClinGen allele CA229529266.

ClinVar aggregate classification (germline): Uncertain significance (1 of 4 stars; one submission).

Allele frequency attached by ClinVar (database versions not stated): ESP Exome Variant Server 0.00008.
gnomAD v4.1: 3 of 1,614,190 alleles (0.00019%); highest among the groups gnomAD compares: Non-Finnish European, 0.00025%; no homozygotes.

Submission:

Labcorp Genetics (formerly Invitae), Labcorp
Classification: Uncertain significance. Last evaluated: 2021-03-21. Review status: criteria provided, single submitter. Criteria: Invitae Variant Classification Sherloc (09022015). Collection method: clinical testing. Allele origin: germline.
Comment: This sequence change replaces threonine with serine at codon 3026 of the KMT2A protein (p.Thr3026Ser). The threonine residue is moderately conserved and there is a small physicochemical difference between threonine and serine. This variant is not present in population databases (ExAC no frequency). This variant has not been reported in the literature in individuals with KMT2A-related conditions. Advanced modeling of protein sequence and biophysical properties (such as structural, functional, and spatial information, amino acid conservation, physicochemical variation, residue mobility, and thermodynamic stability) performed at Invitae indicates that this missense variant is not expected to disrupt KMT2A protein function. Algorithms developed to predict the effect of sequence changes on RNA splicing suggest that this variant may create or strengthen a splice site, but this prediction has not been confirmed by published transcriptional studies. In summary, the available evidence is currently insufficient to determine the role of this variant in disease. Therefore, it has been classified as a Variant of Uncertain Significance.